The following is an entry in ClinVar:

ClinVar aggregate classification (germline): Uncertain significance (1 of 4 stars; one submission).

Conditions:
Hypercholesterolemia, autosomal dominant, type B (FHCL2). Also called: APOB-Related Familial Hypercholesterolemia, Autosomal Dominant; Familial Hypercholesterolemia Type B; APOLIPOPROTEIN B-100, FAMILIAL DEFECTIVE; APOLIPOPROTEIN B-100, FAMILIAL LIGAND-DEFECTIVE; HYPERCHOLESTEROLEMIA, FAMILIAL, DUE TO LIGAND-DEFECTIVE APOLIPOPROTEIN B; Hyperlipoproteinemia Type IIb. Identifiers: MedGen C1704417, MONDO:0007751, OMIM 144010.
Familial hypobetalipoproteinemia 1. Also called: Hypobetalipoproteinemia, normotriglyceridemic; Acanthocytosis with hypobetalipoproteinemia; APOB-Related Familial Hypobetalipoproteinemia. Identifiers: MedGen C4551990, MONDO:0014252, OMIM 615558.

Submission:

Labcorp Genetics (formerly Invitae), Labcorp
Classification: Uncertain significance for Familial hypobetalipoproteinemia 1; Hypercholesterolemia, autosomal dominant, type B. Last evaluated: 2025-05-29. Review status: criteria provided, single submitter. Criteria: Invitae Variant Classification Sherloc (09022015). Collection method: clinical testing. Allele origin: germline.
Comment: This sequence change replaces phenylalanine, which is neutral and non-polar, with serine, which is neutral and polar, at codon 3577 of the APOB protein (p.Phe3577Ser). This variant is not present in population databases (gnomAD no frequency). This variant has not been reported in the literature in individuals affected with APOB-related conditions. ClinVar contains an entry for this variant (Variation ID: 2921824). Invitae Evidence Modeling of protein sequence and biophysical properties (such as structural, functional, and spatial information, amino acid conservation, physicochemical variation, residue mobility, and thermodynamic stability) indicates that this missense variant is not expected to disrupt APOB protein function with a negative predictive value of 95%. In summary, the available evidence is currently insufficient to determine the role of this variant in disease. Therefore, it has been classified as a Variant of Uncertain Significance.

NM_000384.3(APOB):c.10730T>C (p.Phe3577Ser)

Gene: APOB (apolipoprotein B; minus strand). Cytogenetic location: 2p24.1.
Variant type: single nucleotide variant.
Coding change: c.10730T>C on transcript NM_000384.3 (MANE Select); coding-DNA position 10730, T replaced by C.
Protein change: p.Phe3577Ser; replaces phenylalanine 3577 with serine.
Molecular consequence: missense variant.
Genome position (GRCh38, 1-based): chr2:21,006,138, A>G on the plus strand (T>C on the coding strand, the complement: APOB is on the minus strand). VCF-style: chr2-21006138-A-G. GRCh37 (hg19) VCF-style: chr2-21229010-A-G.
Other names: short protein forms F3577S.
Identifiers: ClinVar variation 2921824 (VCV002921824.3), dbSNP rs2465358737, ClinGen allele CA345985224.
Genomic context (GRCh38, chr2:21,006,138, plus strand): 5'-GACATTTGCCATGGAGAGAGTTCCAGGGTGGCTTTGCTTGTATGTTCTCCGTTGGTGAAA[A>G]AGAGGCCCTCTAGCTGTAAGTGGTTTTTCGTACTGTGCTCCCAGAGGGAATATATGCGTT-3'
Protein context (NP_000375.3, residues 3567-3587): TKNHLQLEGL[Phe3577Ser]FTNGEHTSKA